The following is an entry in ClinVar:

ClinVar aggregate classification (germline): Pathogenic (1 of 4 stars; one submission).

Submission:

CeGaT Center for Human Genetics Tuebingen
Classification: Pathogenic. Last evaluated: 2026-05-01. Review status: criteria provided, single submitter. Criteria: CeGaT Center For Human Genetics Tuebingen Variant Classification Criteria Version 2. Collection method: clinical testing. Allele origin: germline. Affected: yes. Observed: 2 variant alleles.
Comment: MSH6: PVS1, PM2

NM_000179.3(MSH6):c.3397dup (p.Thr1133fs)

Gene: MSH6 (mutS homolog 6; plus strand). Cytogenetic location: 2p16.3.
Variant type: Duplication.
Coding change: c.3397dup on transcript NM_000179.3 (MANE Select); coding-DNA position 3397, one base duplicated (A; older notation c.3397dupA).
Protein change: p.Thr1133fs; shifts the reading frame from threonine 1133.
Molecular consequence: frameshift variant.
Genome position (GRCh38, 1-based): chr2:47,803,644, A duplicated. VCF-style (leftmost placement, unchanged base first): chr2-47803643-T-TA. GRCh37 (hg19) VCF-style: chr2-48030782-T-TA.
Other names: c.3007dup, p.Thr1003fs (NM_001281492.2); c.2491dup, p.Thr831fs (NM_001281493.2, NM_001281494.2); short protein forms T1003fs, T1133fs, T831fs.
Identifiers: ClinVar variation 1175957 (VCV001175957.35), dbSNP rs2104484510, ClinGen allele CA2499216123.